The following is an entry in ClinVar:

NM_005559.4(LAMA1):c.4932T>C (p.Asn1644=)

Gene: LAMA1 (laminin subunit alpha 1; minus strand). Cytogenetic location: 18p11.31.
Variant type: single nucleotide variant.
Coding change: c.4932T>C on transcript NM_005559.4 (MANE Select); coding-DNA position 4932, T replaced by C.
Protein change: p.Asn1644=; no amino-acid change (asparagine 1644 retained).
Molecular consequence: synonymous variant.
Genome position (GRCh38, 1-based): chr18:6,993,717, A>G on the plus strand (T>C on the coding strand, the complement: LAMA1 is on the minus strand). VCF-style: chr18-6993717-A-G. GRCh37 (hg19) VCF-style: chr18-6993716-A-G.
Identifiers: ClinVar variation 3050100 (VCV003050100.2), dbSNP rs1224270258, ClinGen allele CA502482781.

ClinVar aggregate classification (germline): Likely benign (0 of 4 stars; one submission).

Conditions:
LAMA1-related disorder. Also called: LAMA1-related condition; LAMA1-related disorders.

gnomAD v4.1: 4 of 1,614,042 alleles (0.00025%); highest among the groups gnomAD compares: Non-Finnish European, 0.00025%; no homozygotes.

Submission:

PreventionGenetics, part of Exact Sciences
Classification: Likely benign for LAMA1-related condition. Last evaluated: 2019-07-12. Review status: no assertion criteria provided. Collection method: clinical testing. Allele origin: germline.
Comment: This variant is classified as likely benign based on ACMG/AMP sequence variant interpretation guidelines (Richards et al. 2015 PMID: 25741868, with internal and published modifications).